The following is an entry in ClinVar:

NM_024079.5(ALG8):c.327C>T (p.Ser109=)

Gene: ALG8 (ALG8 alpha-1,3-glucosyltransferase; minus strand). Cytogenetic location: 11q14.1.
Variant type: single nucleotide variant.
Coding change: c.327C>T on transcript NM_024079.5 (MANE Select); coding-DNA position 327, C replaced by T.
Protein change: p.Ser109=; no amino-acid change (serine 109 retained).
Molecular consequence: synonymous variant.
Genome position (GRCh38, 1-based): chr11:78,124,062, G>A on the plus strand (C>T on the coding strand, the complement: ALG8 is on the minus strand). VCF-style: chr11-78124062-G-A. GRCh37 (hg19) VCF-style: chr11-77835108-G-A.
Other names: c.327C>T, p.Ser109= (NM_001007027.3, NM_001425220.1, NM_001425221.1 and 14 more transcripts); c.330C>T, p.Ser110= (NM_001425219.1); c.174C>T, p.Ser58= (NM_001425226.1, NM_001425235.1, NM_001425236.1); c.126C>T, p.Ser42= (NM_001425231.1); c.63C>T, p.Ser21= (NM_001425234.1, NM_001425239.1); c.-186C>T (NM_001425241.1); c.-224C>T (NM_001425242.1).
Identifiers: ClinVar variation 3031497 (VCV003031497.4), dbSNP rs776646497, ClinGen allele CA6203539.

ClinVar aggregate classification (germline): Likely benign. Review status: criteria provided, single submitter (1 of 4 stars). 2 submissions from 2 submitters: Likely benign (1). 1 of the submissions does not count toward it. Last evaluated 2024-06-05.

Conditions:
ALG8 congenital disorder of glycosylation. Also called: CONGENITAL DISORDER OF GLYCOSYLATION, TYPE Ih; CDG Ih; ALG8-CDG. Identifiers: Orphanet 79325, MedGen C2931002, MONDO:0011969, OMIM 608104.
ALG8-related disorder.

Allele frequency attached by ClinVar (database versions not stated): ExAC 0.00001; gnomAD 0.00003; TOPMed 0.00003.
gnomAD v4.1: 19 of 1,613,940 alleles (0.0012%); highest among the groups gnomAD compares: East Asian, 0.029%; no homozygotes.

Submissions (2):

Labcorp Genetics (formerly Invitae), Labcorp
Classification: Likely benign for ALG8 congenital disorder of glycosylation. Last evaluated: 2024-06-05. Review status: criteria provided, single submitter. Criteria: Invitae Variant Classification Sherloc (09022015). Collection method: clinical testing. Allele origin: germline.

PreventionGenetics, part of Exact Sciences
Classification: Likely benign for ALG8-related condition. Last evaluated: 2022-12-30. Review status: no assertion criteria provided. Collection method: clinical testing. Allele origin: germline. Not counted in ClinVar's aggregate classification.
Comment: This variant is classified as likely benign based on ACMG/AMP sequence variant interpretation guidelines (Richards et al. 2015 PMID: 25741868, with internal and published modifications).